The following is an entry in ClinVar:

ClinVar aggregate classification (germline): Uncertain significance (1 of 4 stars; one submission).

Conditions:
Perlman syndrome (PRLMNS). Identifiers: Orphanet 2849, MedGen C0796113, MONDO:0009965, OMIM 267000.

Submission:

Labcorp Genetics (formerly Invitae), Labcorp
Classification: Uncertain significance for Perlman syndrome. Last evaluated: 2023-02-01. Review status: criteria provided, single submitter. Criteria: Invitae Variant Classification Sherloc (09022015). Collection method: clinical testing. Allele origin: germline.
Comment: In summary, the available evidence is currently insufficient to determine the role of this variant in disease. Therefore, it has been classified as a Variant of Uncertain Significance. Algorithms developed to predict the effect of missense changes on protein structure and function output the following: SIFT: "Tolerated"; PolyPhen-2: "Benign"; Align-GVGD: "Class C0". The glutamic acid amino acid residue is found in multiple mammalian species, which suggests that this missense change does not adversely affect protein function. This variant has not been reported in the literature in individuals affected with DIS3L2-related conditions. This variant is not present in population databases (gnomAD no frequency). This sequence change replaces aspartic acid, which is acidic and polar, with glutamic acid, which is acidic and polar, at codon 204 of the DIS3L2 protein (p.Asp204Glu).

NM_152383.5(DIS3L2):c.612T>A (p.Asp204Glu)

Gene: DIS3L2 (DIS3 like 3'-5' exoribonuclease 2; plus strand). Cytogenetic location: 2q37.1.
Variant type: single nucleotide variant.
Coding change: c.612T>A on transcript NM_152383.5 (MANE Select); coding-DNA position 612, T replaced by A.
Protein change: p.Asp204Glu; replaces aspartic acid 204 with glutamic acid.
Molecular consequence: missense variant. On other transcripts: non-coding transcript variant (2).
Genome position (GRCh38, 1-based): chr2:232,130,629, T>A. VCF-style: chr2-232130629-T-A. GRCh37 (hg19) VCF-style: chr2-232995339-T-A.
Other names: c.612T>A, p.Asp204Glu (NM_001257281.2, NM_001257282.2); short protein forms D204E.
Identifiers: ClinVar variation 3019303 (VCV003019303.3), dbSNP rs2469836520, ClinGen allele CA351153103.